The following is an entry in ClinVar:

NM_004311.4(ARL3):c.472T>G (p.Cys158Gly)

Gene: ARL3 (ARF like GTPase 3; minus strand). Cytogenetic location: 10q24.32.
Variant type: single nucleotide variant.
Coding change: c.472T>G on transcript NM_004311.4 (MANE Select); coding-DNA position 472, T replaced by G.
Protein change: p.Cys158Gly; replaces cysteine 158 with glycine.
Molecular consequence: missense variant.
Genome position (GRCh38, 1-based): chr10:102,685,845, A>C on the plus strand (T>G on the coding strand, the complement: ARL3 is on the minus strand). VCF-style: chr10-102685845-A-C. GRCh37 (hg19) VCF-style: chr10-104445602-A-C.
Other names: short protein forms C158G.
Identifiers: ClinVar variation 1009318 (VCV001009318.9), dbSNP rs778332463, ClinGen allele CA5668423.

ClinVar aggregate classification (germline): Uncertain significance. Review status: criteria provided, multiple submitters, no conflicts (2 of 4 stars). 2 submissions from 2 submitters: Uncertain significance (2). Last evaluated 2025-06-29.

Conditions:
Joubert syndrome 35. Identifiers: MedGen C4748442, MONDO:0032570, OMIM 618161.
Retinitis pigmentosa 83 (RP83). Identifiers: MedGen C4748536, MONDO:0032577, OMIM 618173.

Allele frequency attached by ClinVar (database versions not stated): TOPMed below 0.00001; gnomAD exomes 0.00001 and 0.00002; ExAC 0.00002.
gnomAD v4.1: 4 of 1,613,624 alleles (0.00025%); highest among the groups gnomAD compares: Admixed American, 0.0067%; no homozygotes.

Submissions (2):

Labcorp Genetics (formerly Invitae), Labcorp
Classification: Uncertain significance. Last evaluated: 2025-06-29. Review status: criteria provided, single submitter. Criteria: Invitae Variant Classification Sherloc (09022015). Collection method: clinical testing. Allele origin: germline.
Comment: This sequence change replaces cysteine, which is neutral and slightly polar, with glycine, which is neutral and non-polar, at codon 158 of the ARL3 protein (p.Cys158Gly). This variant is present in population databases (rs778332463, gnomAD 0.01%). This variant has not been reported in the literature in individuals affected with ARL3-related conditions. ClinVar contains an entry for this variant (Variation ID: 1009318). An algorithm developed to predict the effect of missense changes on protein structure and function (PolyPhen-2) suggests that this variant is likely to be disruptive. In summary, the available evidence is currently insufficient to determine the role of this variant in disease. Therefore, it has been classified as a Variant of Uncertain Significance.

Fulgent Genetics
Classification: Uncertain significance for Joubert syndrome 35; Retinitis pigmentosa 83. Last evaluated: 2022-01-04. Review status: criteria provided, single submitter. Criteria: ACMG Guidelines, 2015. Collection method: clinical testing. Allele origin: unknown.